The following is an entry in ClinVar:

NM_005751.5(AKAP9):c.9013A>G (p.Arg3005Gly)

Gene: AKAP9 (A-kinase anchoring protein 9; plus strand). Cytogenetic location: 7q21.2.
Variant type: single nucleotide variant.
Coding change: c.9013A>G on transcript NM_005751.5 (MANE Select); coding-DNA position 9013, A replaced by G.
Protein change: p.Arg3005Gly; replaces arginine 3005 with glycine.
Molecular consequence: missense variant.
Genome position (GRCh38, 1-based): chr7:92,085,675, A>G. VCF-style: chr7-92085675-A-G. GRCh37 (hg19) VCF-style: chr7-91714989-A-G.
Other names: c.3658A>G, p.Arg1220Gly (NM_001379277.1); c.8989A>G, p.Arg2997Gly (NM_147185.3); short protein forms R3005G, R2997G, R1220G.
Identifiers: ClinVar variation 641934 (VCV000641934.10), dbSNP rs1584490061, ClinGen allele CA368143191.

ClinVar aggregate classification (germline): Uncertain significance (1 of 4 stars; one submission).

Conditions:
Long QT syndrome (LQTS). Identifiers: MedGen C0023976, MeSH D008133, MONDO:0002442. Disease mechanism: loss of function. Inheritance: Various modes of inheritance.

Submission:

Labcorp Genetics (formerly Invitae), Labcorp
Classification: Uncertain significance for Long QT syndrome. Last evaluated: 2019-06-01. Review status: criteria provided, single submitter. Criteria: Invitae Variant Classification Sherloc (09022015). Collection method: clinical testing. Allele origin: germline.
Comment: In summary, the available evidence is currently insufficient to determine the role of this variant in disease. Therefore, it has been classified as a Variant of Uncertain Significance. Algorithms developed to predict the effect of missense changes on protein structure and function (SIFT, PolyPhen-2, Align-GVGD) all suggest that this variant is likely to be tolerated, but these predictions have not been confirmed by published functional studies and their clinical significance is uncertain. This variant has not been reported in the literature in individuals with AKAP9-related disease. This sequence change replaces arginine with glycine at codon 3005 of the AKAP9 protein (p.Arg3005Gly). The arginine residue is moderately conserved and there is a moderate physicochemical difference between arginine and glycine. This variant is not present in population databases (ExAC no frequency).